The following is an entry in ClinVar:

NM_152266.5(FAAP24):c.575T>C (p.Ile192Thr)

Gene: FAAP24 (FA core complex associated protein 24; plus strand). Cytogenetic location: 19q13.11.
Variant type: single nucleotide variant.
Coding change: c.575T>C on transcript NM_152266.5 (MANE Select); coding-DNA position 575, T replaced by C.
Protein change: p.Ile192Thr; replaces isoleucine 192 with threonine.
Molecular consequence: missense variant.
Genome position (GRCh38, 1-based): chr19:32,976,609, T>C. VCF-style: chr19-32976609-T-C. GRCh37 (hg19) VCF-style: chr19-33467515-T-C.
Other names: c.290T>C, p.Ile97Thr (NM_001300978.2); short protein forms I192T, I97T.
Identifiers: ClinVar variation 2628276 (VCV002628276.2), dbSNP rs3816032, ClinGen allele CA9360178.
Genomic context (GRCh38, chr19:32,976,609, plus strand): 5'-TTAAAGCTCCCCTTCTCCTCCAGAAGTTTCCAAGCATCCAGCAACTGAGTAATGCTTCCA[T>C]TGGGGAACTGGAGCAGGTGGTCGGACAAGCAGTGGCACAGCAGATCCATGCCTTCTTCAC-3'
Protein context (NP_689479.1, residues 182-202): PSIQQLSNAS[Ile192Thr]GELEQVVGQA

ClinVar aggregate classification (germline): Benign (1 of 4 stars; one submission).

Allele frequency attached by ClinVar (database versions not stated): ESP Exome Variant Server 0.10695; gnomAD 0.12309; TOPMed 0.12729; gnomAD exomes 0.12927; ExAC 0.15833; 1000 Genomes Project 30x 0.18395; 1000 Genomes Project 0.18970.
gnomAD v4.1: 208,855 of 1,613,984 alleles (13%); highest among the groups gnomAD compares: East Asian, 29%; 16,103 homozygotes.

Submission:

Unidad de Genómica Garrahan, Hospital de Pediatría Garrahan
Classification: Benign. Last evaluated: 2023-11-12. Review status: criteria provided, single submitter. Criteria: ACMG Guidelines, 2015. Collection method: clinical testing. Allele origin: germline. Affected: no. Observed: 22 variant alleles.
Comment: This variant is classified as Benign based on local population frequency. This variant was detected in 23% of patients studied by a panel of primary immunodeficiencies. Number of patients: 22. Only high quality variants are reported.